The following is an entry in ClinVar:

ClinVar aggregate classification (germline): Uncertain significance. Review status: criteria provided, multiple submitters, no conflicts (2 of 4 stars). 3 submissions from 3 submitters: Uncertain significance (3). Last evaluated 2023-04-11.

Conditions:
Pyridoxine-dependent epilepsy (EPEO4). Also called: Pyridoxine-Dependent Seizures; Pyridoxine-Dependent Epilepsy - ALDH7A1; PYRIDOXINE DEPENDENCY WITH SEIZURES; EPILEPSY, EARLY-ONSET, 4, VITAMIN B6-DEPENDENT. Identifiers: Orphanet 3006, MedGen C1849508, MONDO:0009945, OMIM 266100. Disease mechanism: loss of function.

Submissions (3):

Genome-Nilou Lab
Classification: Uncertain significance for Pyridoxine-dependent epilepsy. Last evaluated: 2023-04-11. Review status: criteria provided, single submitter. Criteria: ACMG Guidelines, 2015. Collection method: clinical testing. Allele origin: germline. Affected: no.

Labcorp Genetics (formerly Invitae), Labcorp
Classification: Uncertain significance for Pyridoxine-dependent epilepsy. Last evaluated: 2020-05-20. Review status: criteria provided, single submitter. Criteria: Invitae Variant Classification Sherloc (09022015). Collection method: clinical testing. Allele origin: germline.
Comment: This sequence change replaces tyrosine with cysteine at codon 69 of the ALDH7A1 protein (p.Tyr69Cys). The tyrosine residue is moderately conserved and there is a large physicochemical difference between tyrosine and cysteine. This variant is not present in population databases (ExAC no frequency). This variant has not been reported in the literature in individuals with ALDH7A1-related conditions. ClinVar contains an entry for this variant (Variation ID: 204836). Algorithms developed to predict the effect of missense changes on protein structure and function are either unavailable or do not agree on the potential impact of this missense change (SIFT: "Deleterious"; PolyPhen-2: "Benign"; Align-GVGD: "Class C0"). In summary, the available evidence is currently insufficient to determine the role of this variant in disease. Therefore, it has been classified as a Variant of Uncertain Significance.

GeneDx
Classification: Uncertain significance. Last evaluated: 2013-09-06. Review status: criteria provided, single submitter. Criteria: GeneDx Variant Classification (06012015). Collection method: clinical testing. Allele origin: germline. Affected: yes.
Comment: p.Tyr69Cys (TAT>TGT): c.206 A>G in exon 2 of the ALDH7A1 gene (NM_001182.3). The Tyr69Cys missense change has not been published as a mutation, nor has it been reported as a benign polymorphism to our knowledge. It was not observed in approximately 6,500 individuals of European and African American ancestry in the NHLBI Exome Sequencing Project, indicating it is not a common benign variant in these populations. Although both Tyrosine and Cysteine are uncharged, polar amino acid residues, the gain of a Cysteine may affect the formation of disulfide bonds in the protein. Tyr69Cys alters a highly conserved position in the NAD-binding domain of the ALDH7A1 protein. However, in silico analysis is inconsistent with regard to the effect this variant may have on the protein structure/function. Therefore, based on the currently available information, it is unclear whether Tyr69Cys is a disease-causing mutation or a rare benign variant. The variant is found in INFANT-EPI panel(s).

NM_001182.5(ALDH7A1):c.206A>G (p.Tyr69Cys)

Gene: ALDH7A1 (aldehyde dehydrogenase 7 family member A1; minus strand). Cytogenetic location: 5q23.2.
Variant type: single nucleotide variant.
Coding change: c.206A>G on transcript NM_001182.5 (MANE Select); coding-DNA position 206, A replaced by G.
Protein change: p.Tyr69Cys; replaces tyrosine 69 with cysteine.
Molecular consequence: missense variant.
Genome position (GRCh38, 1-based): chr5:126,593,391, T>C on the plus strand (A>G on the coding strand, the complement: ALDH7A1 is on the minus strand). VCF-style: chr5-126593391-T-C. GRCh37 (hg19) VCF-style: chr5-125929083-T-C.
Other names: p.Y69C:TAT>TGT; c.122A>G, p.Tyr41Cys (NM_001201377.2); c.206A>G, p.Tyr69Cys (NM_001202404.2); short protein forms Y69C, Y41C.
Identifiers: ClinVar variation 204836 (VCV000204836.10), dbSNP rs796052258, ClinGen allele CA313179.
Genomic context (GRCh38, chr5:126,593,391, plus strand): 5'-ACACACACACACACTCTTACCTGTCGGACTCTTGCTATTGGCTCGTTGTTAGCAGGGCAA[T>C]AGGTCGTAATAACCTTAAAACAAAAGGATGATGATCATGTATAGAAAACGTAATCCCTTT-3'
Protein context (NP_001173.2, residues 59-79): WGGRGEVITT[Tyr69Cys]CPANNEPIAR